The following is an entry in ClinVar:

ClinVar aggregate classification (germline): Uncertain significance (1 of 4 stars; one submission).

Conditions:
Severe combined immunodeficiency due to DNA-PKcs deficiency. Also called: IMMUNODEFICIENCY 26 WITH NEUROLOGIC ABNORMALITIES; Immunodeficiency 26 with or without neurologic abnormalities. Identifiers: Orphanet 317425, MedGen C4014833, MONDO:0014423, OMIM 615966.

gnomAD v4.1: 71 of 1,613,814 alleles (0.0044%); highest among the groups gnomAD compares: Non-Finnish European, 0.0058%; no homozygotes.

Submission:

Labcorp Genetics (formerly Invitae), Labcorp
Classification: Uncertain significance for Severe combined immunodeficiency due to DNA-PKcs deficiency. Last evaluated: 2022-12-30. Review status: criteria provided, single submitter. Criteria: Invitae Variant Classification Sherloc (09022015). Collection method: clinical testing. Allele origin: germline.
Comment: In summary, the available evidence is currently insufficient to determine the role of this variant in disease. Therefore, it has been classified as a Variant of Uncertain Significance. Advanced modeling of protein sequence and biophysical properties (such as structural, functional, and spatial information, amino acid conservation, physicochemical variation, residue mobility, and thermodynamic stability) performed at Invitae indicates that this missense variant is expected to disrupt PRKDC protein function. This variant has not been reported in the literature in individuals affected with PRKDC-related conditions. This variant is present in population databases (rs747860848, gnomAD 0.005%). This sequence change replaces valine, which is neutral and non-polar, with methionine, which is neutral and non-polar, at codon 3717 of the PRKDC protein (p.Val3717Met).

NM_006904.7(PRKDC):c.11149G>A (p.Val3717Met)

Gene: PRKDC (protein kinase, DNA-activated, catalytic subunit; minus strand). Cytogenetic location: 8q11.21.
Variant type: single nucleotide variant.
Coding change: c.11149G>A on transcript NM_006904.7 (MANE Select); coding-DNA position 11149, G replaced by A.
Protein change: p.Val3717Met; replaces valine 3717 with methionine.
Molecular consequence: missense variant.
Genome position (GRCh38, 1-based): chr8:47,783,768, C>T on the plus strand (G>A on the coding strand, the complement: PRKDC is on the minus strand). VCF-style: chr8-47783768-C-T. GRCh37 (hg19) VCF-style: chr8-48696329-C-T.
Other names: c.11149G>A, p.Val3717Met (NM_001081640.2); short protein forms V3717M.
Identifiers: ClinVar variation 2062641 (VCV002062641.2), dbSNP rs747860848, ClinGen allele CA4739168.